The following is an entry in ClinVar:

NM_003816.3(ADAM9):c.115C>T (p.His39Tyr)

Gene: ADAM9 (ADAM metallopeptidase domain 9; plus strand). Cytogenetic location: 8p11.22.
Variant type: single nucleotide variant.
Coding change: c.115C>T on transcript NM_003816.3 (MANE Select); coding-DNA position 115, C replaced by T.
Protein change: p.His39Tyr; replaces histidine 39 with tyrosine.
Molecular consequence: missense variant. On other transcripts: non-coding transcript variant (3).
Genome position (GRCh38, 1-based): chr8:39,007,903, C>T. VCF-style: chr8-39007903-C-T. GRCh37 (hg19) VCF-style: chr8-38865422-C-T.
Other names: c.115C>T (NM_003816.2); short protein forms H39Y.
Identifiers: ClinVar variation 1514827 (VCV001514827.7), dbSNP rs768310031, ClinGen allele CA4721216.
Genomic context (GRCh38, chr8:39,007,903, plus strand): 5'-TTTTCAGTTTCACTTATTATATTTGTTTTTGCCTTTTCTGTAGGCTTTCAACAGACCTCA[C>T]ATCTTTCTTCTTATGAAATTATAACTCCTTGGAGATTAACTAGAGAAAGAAGAGAAGCCC-3'
Protein context (NP_003807.1, residues 29-49): AARPGFQQTS[His39Tyr]LSSYEIITPW

ClinVar aggregate classification (germline): Uncertain significance. Review status: criteria provided, multiple submitters, no conflicts (2 of 4 stars). 3 submissions from 3 submitters: Uncertain significance (3). Last evaluated 2024-10-16.

Conditions:
Inborn genetic diseases. Identifiers: MedGen C0950123, MeSH D030342.

Allele frequency attached by ClinVar (database versions not stated): gnomAD exomes below 0.00001 and 0.00002; ExAC 0.00001; gnomAD 0.00001 and 0.00002; TOPMed 0.00002.

Submissions (3):

Labcorp Genetics (formerly Invitae), Labcorp
Classification: Uncertain significance. Last evaluated: 2024-10-16. Review status: criteria provided, single submitter. Criteria: Invitae Variant Classification Sherloc (09022015). Collection method: clinical testing. Allele origin: germline.
Comment: This sequence change replaces histidine, which is basic and polar, with tyrosine, which is neutral and polar, at codon 39 of the ADAM9 protein (p.His39Tyr). This variant is present in population databases (rs768310031, gnomAD 0.006%). This variant has not been reported in the literature in individuals affected with ADAM9-related conditions. ClinVar contains an entry for this variant (Variation ID: 1514827). An algorithm developed to predict the effect of missense changes on protein structure and function (PolyPhen-2) suggests that this variant¬†is likely to be tolerated. In summary, the available evidence is currently insufficient to determine the role of this variant in disease. Therefore, it has been classified as a Variant of Uncertain Significance.

Ambry Genetics
Classification: Uncertain significance for Inborn genetic diseases. Last evaluated: 2024-01-19. Review status: criteria provided, single submitter. Criteria: Ambry Variant Classification Scheme 2023. Collection method: clinical testing. Allele origin: germline.

Blueprint Genetics
Classification: Uncertain significance. Last evaluated: 2022-10-31. Review status: criteria provided, single submitter. Criteria: ACMG Guidelines, 2015. Collection method: clinical testing. Allele origin: germline.